The following is an entry in ClinVar:

ClinVar aggregate classification (germline): Uncertain significance (0 of 4 stars; one submission).

Conditions:
PCNT-related disorder. Also called: PCNT-related condition.

Submission:

PreventionGenetics, part of Exact Sciences
Classification: Uncertain significance for PCNT-related condition. Last evaluated: 2024-08-24. Review status: no assertion criteria provided. Collection method: clinical testing. Allele origin: germline.
Comment: The PCNT c.396G>A variant is predicted to result in the amino acid substitution p.Met132Ile. To our knowledge, this variant has not been reported in the literature or in a large population database, indicating this variant is rare. At this time, the clinical significance of this variant is uncertain due to the absence of conclusive functional and genetic evidence.

NM_006031.6(PCNT):c.396G>A (p.Met132Ile)

Gene: PCNT (pericentrin; plus strand). Cytogenetic location: 21q22.3.
Variant type: single nucleotide variant.
Coding change: c.396G>A on transcript NM_006031.6 (MANE Select); coding-DNA position 396, G replaced by A.
Protein change: p.Met132Ile; replaces methionine 132 with isoleucine.
Molecular consequence: missense variant.
Genome position (GRCh38, 1-based): chr21:46,334,525, G>A. VCF-style: chr21-46334525-G-A. GRCh37 (hg19) VCF-style: chr21-47754439-G-A.
Other names: c.42G>A, p.Met14Ile (NM_001315529.2); short protein forms M132I, M14I.
Identifiers: ClinVar variation 3346210 (VCV003346210.1).